The following is an entry in ClinVar:

NM_001142966.3(GREB1L):c.139C>G (p.His47Asp)

Genes: GREB1L (GREB1 like retinoic acid receptor coactivator; plus strand), GREB1L-AS1 (GREB1L antisense RNA 1; minus strand). Cytogenetic location: 18q11.1.
Variant type: single nucleotide variant.
Coding change: c.139C>G on transcript NM_001142966.3 (MANE Select); coding-DNA position 139, C replaced by G.
Protein change: p.His47Asp; replaces histidine 47 with aspartic acid.
Molecular consequence: missense variant.
Genome position (GRCh38, 1-based): chr18:21,383,657, C>G. VCF-style: chr18-21383657-C-G. GRCh37 (hg19) VCF-style: chr18-18963618-C-G.
Other names: c.139C>G, p.His47Asp (NM_001410867.1, NM_001410868.1); short protein forms H47D.
Identifiers: ClinVar variation 4083019 (VCV004083019.1).

ClinVar aggregate classification (germline): Uncertain significance (1 of 4 stars; one submission).

Submission:

GeneDx
Classification: Uncertain significance. Last evaluated: 2025-03-14. Review status: criteria provided, single submitter. Criteria: GeneDx Variant Classification Process June 2021. Collection method: clinical testing. Allele origin: germline. Affected: yes.
Comment: Not observed at significant frequency in large population cohorts (gnomAD); In silico analysis supports that this missense variant has a deleterious effect on protein structure/function; Has not been previously published as pathogenic or benign to our knowledge